The following is an entry in ClinVar:

NM_025129.5(FUZ):c.672G>A (p.Leu224=)

Genes: FUZ (fuzzy planar cell polarity protein; minus strand), LOC105372435 (uncharacterized LOC105372435; plus strand), LOC130064942 (ATAC-STARR-seq lymphoblastoid silent region 10936; plus strand). Cytogenetic location: 19q13.33.
Variant type: single nucleotide variant.
Coding change: c.672G>A on transcript NM_025129.5 (MANE Select); coding-DNA position 672, G replaced by A.
Protein change: p.Leu224=; no amino-acid change (leucine 224 retained).
Molecular consequence: synonymous variant. On other transcripts: non-coding transcript variant (2).
Genome position (GRCh38, 1-based): chr19:49,809,396, C>T on the plus strand (G>A on the coding strand, the complement: FUZ is on the minus strand). VCF-style: chr19-49809396-C-T. GRCh37 (hg19) VCF-style: chr19-50312653-C-T.
Other names: c.564G>A, p.Leu188= (NM_001171937.2); c.672G>A, p.Leu224= (NM_001352262.2); c.522G>A, p.Leu174= (NM_001363663.1).
Identifiers: ClinVar variation 3055665 (VCV003055665.2), dbSNP rs2305921, ClinGen allele CA9584374.

ClinVar aggregate classification (germline): Benign (0 of 4 stars; one submission).

Conditions:
FUZ-related disorder. Also called: FUZ-related condition.

Allele frequency attached by ClinVar (database versions not stated): ESP Exome Variant Server 0.12068; ExAC 0.12579; 1000 Genomes Project 30x 0.12883; gnomAD exomes 0.13018; 1000 Genomes Project 0.13099; gnomAD 0.13461; TOPMed 0.13707.

Submission:

PreventionGenetics, part of Exact Sciences
Classification: Benign for FUZ-related condition. Last evaluated: 2019-12-05. Review status: no assertion criteria provided. Collection method: clinical testing. Allele origin: germline.
Comment: This variant is classified as benign based on ACMG/AMP sequence variant interpretation guidelines (Richards et al. 2015 PMID: 25741868, with internal and published modifications).